The following is an entry in ClinVar:

ClinVar aggregate classification (germline): Uncertain significance (1 of 4 stars; one submission).

Conditions:
Oligodontia-cancer predisposition syndrome. Also called: TOOTH AGENESIS-COLORECTAL CANCER SYNDROME. Identifiers: Orphanet 300576, MedGen C1837750, MONDO:0012075, OMIM 608615. Disease mechanism: loss of function.

Submission:

Labcorp Genetics (formerly Invitae), Labcorp
Classification: Uncertain significance for Oligodontia-cancer predisposition syndrome. Last evaluated: 2017-12-21. Review status: criteria provided, single submitter. Criteria: Invitae Variant Classification Sherloc (09022015). Collection method: clinical testing. Allele origin: germline.
Comment: This variant has not been reported in the literature in individuals with AXIN2-related disease. This variant is not present in population databases (ExAC no frequency). This sequence change replaces alanine with threonine at codon 523 of the AXIN2 protein (p.Ala523Thr). The alanine residue is highly conserved and there is a small physicochemical difference between alanine and threonine. Algorithms developed to predict the effect of missense changes on protein structure and function output the following: SIFT: "Tolerated"; PolyPhen-2: "Benign"; Align-GVGD: "Class C0". The threonine amino acid residue is found in multiple mammalian species, suggesting that this missense change does not adversely affect protein function. These predictions have not been confirmed by published functional studies and their clinical significance is uncertain. In summary, the available evidence is currently insufficient to determine the role of this variant in disease. Therefore, it has been classified as a Variant of Uncertain Significance.

NM_004655.4(AXIN2):c.1567G>A (p.Ala523Thr)

Gene: AXIN2 (axin 2; minus strand). Cytogenetic location: 17q24.1.
Variant type: single nucleotide variant.
Coding change: c.1567G>A on transcript NM_004655.4 (MANE Select); coding-DNA position 1567, G replaced by A.
Protein change: p.Ala523Thr; replaces alanine 523 with threonine.
Molecular consequence: missense variant.
Genome position (GRCh38, 1-based): chr17:65,537,469, C>T on the plus strand (G>A on the coding strand, the complement: AXIN2 is on the minus strand). VCF-style: chr17-65537469-C-T. GRCh37 (hg19) VCF-style: chr17-63533587-C-T.
Other names: c.1567G>A (LRG_296t1); c.1567G>A, p.Ala523Thr (NM_001363813.1); short protein forms A523T.
Identifiers: ClinVar variation 533202 (VCV000533202.8), dbSNP rs1555577694, ClinGen allele CA400677246.